The following is an entry in ClinVar:

ClinVar aggregate classification (germline): Uncertain significance (1 of 4 stars; one submission).

Conditions:
Hearing impairment. Also called: Impaired Hearing. Identifiers: MedGen C1384666, MONDO:0005365, HP:0000365.

Allele frequency attached by ClinVar (database versions not stated): gnomAD exomes 0.00001.
gnomAD v4.1: 11 of 1,614,264 alleles (0.00068%); highest among the groups gnomAD compares: South Asian, 0.0011%; no homozygotes.

Submission:

Department of Otolaryngology – Head & Neck Surgery, Cochlear Implant Center
Classification: Uncertain significance for Hearing impairment. Last evaluated: 2021-04-12. Review status: criteria provided, single submitter. Criteria: ClinGen HL ACMG Specifications v1. Collection method: clinical testing. Allele origin: germline. Affected: yes.
Comment: PM2_Moderate, PP3_Supporting

NM_001001331.4(ATP2B2):c.10A>G (p.Met4Val)

Gene: ATP2B2 (ATPase plasma membrane Ca2+ transporting 2; minus strand). Cytogenetic location: 3p25.3.
Variant type: single nucleotide variant.
Coding change: c.10A>G on transcript NM_001001331.4 (MANE Select); coding-DNA position 10, A replaced by G.
Protein change: p.Met4Val; replaces methionine 4 with valine.
Molecular consequence: missense variant.
Genome position (GRCh38, 1-based): chr3:10,449,534, T>C on the plus strand (A>G on the coding strand, the complement: ATP2B2 is on the minus strand). VCF-style: chr3-10449534-T-C. GRCh37 (hg19) VCF-style: chr3-10491218-T-C.
Other names: c.10A>G, p.Met4Val (NM_001363862.1, NM_001683.5, NM_001330611.3 and 1 more transcripts); short protein forms M4V.
Identifiers: ClinVar variation 1064923 (VCV001064923.3), dbSNP rs1473080344, ClinGen allele CA351783022.
Genomic context (GRCh38, chr3:10,449,534, plus strand): 5'-ACTCGCCCCCATGGCTCGACTCATTTCTTTGGTTTTTGGAGTAAAAGTCGCTGTTGGTCA[T>C]GTCACCCATGTTTGCTGCGGTCCTTGCTCGGGCTGGGCCCAAGGGTCAGCGCTGGACAAG-3'
Protein context (NP_001001331.1, residues 1-14): MGD[Met4Val]TNSDFYSKNQ